The following is an entry in ClinVar:

ClinVar aggregate classification (germline): Uncertain significance. Review status: criteria provided, multiple submitters, no conflicts (2 of 4 stars). 2 submissions from 2 submitters: Uncertain significance (2). Last evaluated 2024-12-16.

Conditions:
Juvenile polyposis syndrome (JPS). Identifiers: Orphanet 2929, MedGen C0345893, MONDO:0017380, OMIM 174900.
Familial thoracic aortic aneurysm and aortic dissection (TAAD). Also called: Thoracic aortic aneurysms and dissections. Identifiers: Orphanet 91387, MedGen C4707243, MONDO:0019625.
Hereditary cancer-predisposing syndrome. Also called: Hereditary Cancer Syndrome; Tumor predisposition; Neoplastic Syndromes, Hereditary; Hereditary neoplastic syndrome. Identifiers: Orphanet 140162, MedGen C0027672, MeSH D009386, MONDO:0015356.

Submissions (2):

Labcorp Genetics (formerly Invitae), Labcorp
Classification: Uncertain significance for Juvenile polyposis syndrome. Last evaluated: 2024-12-16. Review status: criteria provided, single submitter. Criteria: Invitae Variant Classification Sherloc (09022015). Collection method: clinical testing. Allele origin: germline.
Comment: This sequence change replaces isoleucine, which is neutral and non-polar, with valine, which is neutral and non-polar, at codon 217 of the SMAD4 protein (p.Ile217Val). This variant is not present in population databases (gnomAD no frequency). This variant has not been reported in the literature in individuals affected with SMAD4-related conditions. ClinVar contains an entry for this variant (Variation ID: 3238424). Invitae Evidence Modeling of protein sequence and biophysical properties (such as structural, functional, and spatial information, amino acid conservation, physicochemical variation, residue mobility, and thermodynamic stability) indicates that this missense variant is not expected to disrupt SMAD4 protein function with a negative predictive value of 95%. In summary, the available evidence is currently insufficient to determine the role of this variant in disease. Therefore, it has been classified as a Variant of Uncertain Significance.

Ambry Genetics
Classification: Uncertain significance for Hereditary cancer-predisposing syndrome; Familial thoracic aortic aneurysm and aortic dissection. Last evaluated: 2024-03-05. Review status: criteria provided, single submitter. Criteria: Ambry Variant Classification Scheme 2023. Collection method: clinical testing. Allele origin: germline.
Comment: The p.I217V variant (also known as c.649A>G), located in coding exon 4 of the SMAD4 gene, results from an A to G substitution at nucleotide position 649. The isoleucine at codon 217 is replaced by valine, an amino acid with highly similar properties. This amino acid position is well conserved in available vertebrate species. In addition, the in silico prediction for this alteration is inconclusive. Based on the available evidence, the clinical significance of this alteration remains unclear.

NM_005359.6(SMAD4):c.649A>G (p.Ile217Val)

Gene: SMAD4 (SMAD family member 4; plus strand). Cytogenetic location: 18q21.2.
Variant type: single nucleotide variant.
Coding change: c.649A>G on transcript NM_005359.6 (MANE Select); coding-DNA position 649, A replaced by G.
Protein change: p.Ile217Val; replaces isoleucine 217 with valine.
Molecular consequence: missense variant. On other transcripts: non-coding transcript variant (2).
Genome position (GRCh38, 1-based): chr18:51,054,975, A>G. VCF-style: chr18-51054975-A-G. GRCh37 (hg19) VCF-style: chr18-48581345-A-G.
Other names: c.649A>G, p.Ile217Val (NM_001407041.1, NM_001407042.1, NM_001407043.1); short protein forms I217V.
Identifiers: ClinVar variation 3238424 (VCV003238424.3), dbSNP rs2144419576.